The following is an entry in ClinVar:

NM_014264.5(PLK4):c.634G>A (p.Asp212Asn)

Gene: PLK4 (polo like kinase 4; plus strand). Cytogenetic location: 4q28.1.
Variant type: single nucleotide variant.
Coding change: c.634G>A on transcript NM_014264.5 (MANE Select); coding-DNA position 634, G replaced by A.
Protein change: p.Asp212Asn; replaces aspartic acid 212 with asparagine.
Molecular consequence: missense variant.
Genome position (GRCh38, 1-based): chr4:127,886,004, G>A. VCF-style: chr4-127886004-G-A. GRCh37 (hg19) VCF-style: chr4-128807159-G-A.
Other names: c.538G>A, p.Asp180Asn (NM_001190799.2); c.511G>A, p.Asp171Asn (NM_001190801.2); short protein forms D180N, D212N, D171N.
Identifiers: ClinVar variation 840553 (VCV000840553.5), dbSNP rs373205220, ClinGen allele CA3076608.

ClinVar aggregate classification (germline): Uncertain significance. Review status: criteria provided, multiple submitters, no conflicts (2 of 4 stars). 2 submissions from 2 submitters: Uncertain significance (2). Last evaluated 2025-01-07.

Conditions:
Inborn genetic diseases. Identifiers: MedGen C0950123, MeSH D030342.

Allele frequency attached by ClinVar (database versions not stated): TOPMed 0.00005; gnomAD exomes 0.00012; gnomAD 0.00006.

Submissions (2):

Ambry Genetics
Classification: Uncertain significance for Inborn genetic diseases. Last evaluated: 2025-01-07. Review status: criteria provided, single submitter. Criteria: Ambry Variant Classification Scheme 2023. Collection method: clinical testing. Allele origin: germline.

Labcorp Genetics (formerly Invitae), Labcorp
Classification: Uncertain significance. Last evaluated: 2022-09-13. Review status: criteria provided, single submitter. Criteria: Invitae Variant Classification Sherloc (09022015). Collection method: clinical testing. Allele origin: germline.
Comment: This sequence change replaces aspartic acid, which is acidic and polar, with asparagine, which is neutral and polar, at codon 212 of the PLK4 protein (p.Asp212Asn). This variant is present in population databases (rs373205220, gnomAD 0.03%). This variant has not been reported in the literature in individuals affected with PLK4-related conditions. ClinVar contains an entry for this variant (Variation ID: 840553). Algorithms developed to predict the effect of missense changes on protein structure and function are either unavailable or do not agree on the potential impact of this missense change (SIFT: "Deleterious"; PolyPhen-2: "Probably Damaging"; Align-GVGD: "Class C0"). In summary, the available evidence is currently insufficient to determine the role of this variant in disease. Therefore, it has been classified as a Variant of Uncertain Significance.